The following is an entry in ClinVar:

ClinVar aggregate classification (germline): Uncertain significance (1 of 4 stars; one submission).

Conditions:
Familial adenomatous polyposis 1 (FAP1). Also called: FAMILIAL ADENOMATOUS POLYPOSIS 1, ATTENUATED; POLYPOSIS, ADENOMATOUS INTESTINAL. Identifiers: MedGen C2713442, MONDO:0021056, OMIM 175100. Disease mechanism: loss of function.

Allele frequency attached by ClinVar (database versions not stated): gnomAD exomes below 0.00001.
gnomAD v4.1: 1 of 1,368,954 alleles (0.000073%); highest among the groups gnomAD compares: Non-Finnish European, 0.000096%; no homozygotes.

Submission:

Labcorp Genetics (formerly Invitae), Labcorp
Classification: Uncertain significance for Familial adenomatous polyposis 1. Last evaluated: 2020-06-13. Review status: criteria provided, single submitter. Criteria: Invitae Variant Classification Sherloc (09022015). Collection method: clinical testing. Allele origin: germline.
Comment: In summary, the available evidence is currently insufficient to determine the role of this variant in disease. Therefore, it has been classified as a Variant of Uncertain Significance. Experimental studies and prediction algorithms are not available for this variant, and the functional significance of this non-coding change is currently unknown. This variant has not been reported in the literature in individuals with APC-related conditions. The frequency data for this variant in the population databases is considered unreliable, as metrics indicate insufficient coverage at this position in the ExAC database. This variant occurs in a non-coding region of the APC gene. It does not change the encoded amino acid sequence of the APC protein.

NM_001127511.3(APC):c.161G>A (p.Trp54Ter)

Gene: APC (APC regulator of Wnt signaling pathway; plus strand). Cytogenetic location: 5q22.2.
Variant type: single nucleotide variant.
Coding change: c.161G>A on transcript NM_001127511.3; coding-DNA position 161, G replaced by A.
Protein change: p.Trp54Ter; replaces tryptophan 54 with a stop codon.
Molecular consequence: nonsense. On other transcripts: 5 prime UTR variant (8), non-coding transcript variant (1), intron variant (5).
Genome position (GRCh38, 1-based): chr5:112,707,878, G>A. VCF-style: chr5-112707878-G-A. GRCh37 (hg19) VCF-style: chr5-112043575-G-A.
Other names: c.-23G>A (NM_001354895.2, NM_001407447.1, NM_001407452.1 and 3 more transcripts); c.161G>A, p.Trp54Ter (NM_001354897.2, NM_001354902.2, NM_001407446.1); c.-1058G>A (NM_001407470.1, NM_001407472.1); c.-19+229G>A (NM_001407448.1, NM_001407450.1, NM_001407457.1 and 1 more transcripts); c.-43+229G>A (NM_001407453.1); short protein forms W54*.
Identifiers: ClinVar variation 1012124 (VCV001012124.9), dbSNP rs1750617951, ClinGen allele CA360612210.
Genomic context (GRCh38, chr5:112,707,878, plus strand): 5'-TCCGGCAGGAGACGAAGAGCCCGGGCGGCGCTCGTACTTCTGGCCACTGGGCGAGCGTCT[G>A]GCAGGTGAGTGAGGCTGCAGGCATTGACGTCTCCTCCCGGCAAAGCTTCCTCGGCTTTGC-3'